The following is an entry in ClinVar:

ClinVar aggregate classification (germline): Benign. Review status: criteria provided, single submitter (1 of 4 stars). 2 submissions from 1 submitter: Benign (2). Last evaluated 2018-01-13.

Conditions:
Frontotemporal dementia and/or amyotrophic lateral sclerosis 6 (FTDALS6). Also called: VCP-Related Amyotrophic Lateral Sclerosis; VCP-Related Amyotrophic Lateral Sclerosis/Frontotemporal Dementia. Identifiers: Orphanet 275872, Orphanet 803, MedGen C5436279, MONDO:0013501, OMIM 613954.
Inclusion body myopathy with Paget disease of bone and frontotemporal dementia type 1. Also called: MULTISYSTEM PROTEINOPATHY 1; Inclusion body myopathy with early-onset Paget disease with or without frontotemporal dementia 1; Inclusion body myopathy with early-onset Paget disease and frontotemporal dementia 1. Identifiers: MedGen C4551951, MONDO:0008178, OMIM 167320.

Allele frequency attached by ClinVar (database versions not stated): 1000 Genomes Project 0.00319; 1000 Genomes Project 30x 0.00375; TOPMed 0.00791; gnomAD 0.00937 and 0.00965.

Submissions (2):

Illumina Laboratory Services, Illumina
Classification: Benign for Frontotemporal dementia and/or amyotrophic lateral sclerosis 6. Last evaluated: 2018-01-13. Review status: criteria provided, single submitter. Criteria: ICSL Variant Classification Criteria 13 December 2019. Collection method: clinical testing. Allele origin: germline.
Comment: This variant was observed in the ICSL laboratory as part of a predisposition screen in an ostensibly healthy population. It had not been previously curated by ICSL or reported in the Human Gene Mutation Database (HGMD: prior to June 1st, 2018), and was therefore a candidate for classification through an automated scoring system. Utilizing variant allele frequency, disease prevalence and penetrance estimates, and inheritance mode, an automated score was calculated to assess if this variant is too frequent to cause the disease. Based on the score and internal cut-off values, a variant classified as benign is not then subjected to further curation. The score for this variant resulted in a classification of benign for this disease.

Illumina Laboratory Services, Illumina
Classification: Benign for Inclusion body myopathy with Paget disease of bone and frontotemporal dementia type 1. Last evaluated: 2018-01-13. Review status: criteria provided, single submitter. Criteria: ICSL Variant Classification Criteria 13 December 2019. Collection method: clinical testing. Allele origin: germline.
Comment: the same text as in the submission from Illumina Laboratory Services, Illumina above.

NM_007126.5(VCP):c.*906A>G

Gene: VCP (valosin containing protein; minus strand). Cytogenetic location: 9p13.3.
Variant type: single nucleotide variant.
Coding change: c.*906A>G on transcript NM_007126.5 (MANE Select); 906 bases downstream of the stop codon, A replaced by G.
Molecular consequence: 3 prime UTR variant.
Genome position (GRCh38, 1-based): chr9:35,056,211, T>C on the plus strand (A>G on the coding strand, the complement: VCP is on the minus strand). VCF-style: chr9-35056211-T-C. GRCh37 (hg19) VCF-style: chr9-35056208-T-C.
Other names: c.*906A>G (NM_001354927.2, NM_001354928.2).
Identifiers: ClinVar variation 366704 (VCV000366704.5), dbSNP rs76360394, ClinGen allele CA10633596.